The following is an entry in ClinVar:

ClinVar aggregate classification (germline): Uncertain significance (1 of 4 stars; one submission).

Allele frequency attached by ClinVar (database versions not stated): gnomAD exomes below 0.00001; gnomAD 0.00004; TOPMed 0.00004.
gnomAD v4.1: 8 of 1,614,018 alleles (0.0005%); highest among the groups gnomAD compares: Admixed American, 0.012%; no homozygotes.

Submission:

Labcorp Genetics (formerly Invitae), Labcorp
Classification: Uncertain significance. Last evaluated: 2022-08-22. Review status: criteria provided, single submitter. Criteria: Invitae Variant Classification Sherloc (09022015). Collection method: clinical testing. Allele origin: germline.
Comment: In summary, the available evidence is currently insufficient to determine the role of this variant in disease. Therefore, it has been classified as a Variant of Uncertain Significance. Algorithms developed to predict the effect of missense changes on protein structure and function output the following: SIFT: "Deleterious"; PolyPhen-2: "Benign"; Align-GVGD: "Class C0". The asparagine amino acid residue is found in multiple mammalian species, which suggests that this missense change does not adversely affect protein function. This variant has not been reported in the literature in individuals affected with HMCN1-related conditions. This variant is present in population databases (no rsID available, gnomAD 0.006%). This sequence change replaces aspartic acid, which is acidic and polar, with asparagine, which is neutral and polar, at codon 4109 of the HMCN1 protein (p.Asp4109Asn).

NM_031935.3(HMCN1):c.12325G>A (p.Asp4109Asn)

Gene: HMCN1 (hemicentin 1; plus strand). Cytogenetic location: 1q31.1.
Variant type: single nucleotide variant.
Coding change: c.12325G>A on transcript NM_031935.3 (MANE Select); coding-DNA position 12325, G replaced by A.
Protein change: p.Asp4109Asn; replaces aspartic acid 4109 with asparagine.
Molecular consequence: missense variant.
Genome position (GRCh38, 1-based): chr1:186,123,046, G>A. VCF-style: chr1-186123046-G-A. GRCh37 (hg19) VCF-style: chr1-186092178-G-A.
Other names: short protein forms D4109N.
Identifiers: ClinVar variation 1949393 (VCV001949393.5), dbSNP rs1474836124, ClinGen allele CA343903027.